The following is an entry in ClinVar:

ClinVar aggregate classification (germline): Uncertain significance (1 of 4 stars; one submission).

gnomAD v4.1: 3 of 1,612,862 alleles (0.00019%); highest among the groups gnomAD compares: African/African-American, 0.004%; no homozygotes.

Submission:

GeneDx
Classification: Uncertain significance. Last evaluated: 2024-10-17. Review status: criteria provided, single submitter. Criteria: GeneDx Variant Classification Process June 2021. Collection method: clinical testing. Allele origin: germline. Affected: yes.
Comment: Not observed at significant frequency in large population cohorts (gnomAD); Missense variant in a gene in which most reported pathogenic variants are truncating/loss of function; Has not been previously published as pathogenic or benign to our knowledge

NM_001267550.2(TTN):c.98695C>A (p.Pro32899Thr)

Genes: TTN (titin; minus strand), TTN-AS1 (TTN antisense RNA 1; plus strand). Cytogenetic location: 2q31.2.
Variant type: single nucleotide variant.
Coding change: c.98695C>A on transcript NM_001267550.2 (MANE Select); coding-DNA position 98695, C replaced by A.
Protein change: p.Pro32899Thr; replaces proline 32899 with threonine.
Molecular consequence: missense variant. On other transcripts: non-coding transcript variant (1).
Genome position (GRCh38, 1-based): chr2:178,539,240, G>T on the plus strand (C>A on the coding strand, the complement: TTN is on the minus strand). VCF-style: chr2-178539240-G-T. GRCh37 (hg19) VCF-style: chr2-179403967-G-T.
Other names: c.93772C>A, p.Pro31258Thr (NM_001256850.1); c.71500C>A, p.Pro23834Thr (NM_003319.4); c.90991C>A, p.Pro30331Thr (NM_133378.4); c.71875C>A, p.Pro23959Thr (NM_133432.3); c.72076C>A, p.Pro24026Thr (NM_133437.4); short protein forms P32899T, P23834T, P24026T, P30331T, P23959T, P31258T.
Identifiers: ClinVar variation 3781132 (VCV003781132.1).
Genomic context (GRCh38, chr2:178,539,240, plus strand): 5'-ACCAGGACAAGCTAACAGAACTCTTGGTTACATCGAGTACTTCTGGAGGATTGCTTGGAG[G>T]TTCTGGAGGATCTGTAAATATAAGTGGAAAGCACACATGTATTAGAATACAGTCCCAAGT-3'
Protein context (NP_001254479.2, residues 32889-32909): TPKTPLNPPE[Pro32899Thr]PSNPPEVLDV